The following is an entry in ClinVar:

ClinVar aggregate classification (germline): Uncertain significance (1 of 4 stars; one submission).

Submission:

Ambry Genetics
Classification: Uncertain significance. Last evaluated: 2023-05-19. Review status: criteria provided, single submitter. Criteria: Ambry Variant Classification Scheme 2023. Collection method: clinical testing. Allele origin: germline.
Comment: The p.E215D variant (also known as c.645G>C), located in coding exon 1 of the TERF2IP gene, results from a G to C substitution at nucleotide position 645. The glutamic acid at codon 215 is replaced by aspartic acid, an amino acid with highly similar properties. This amino acid position is conserved. In addition, this alteration is predicted to be tolerated by in silico analysis. Since supporting evidence is limited at this time, the clinical significance of this alteration remains unclear.

NM_018975.4(TERF2IP):c.645G>C (p.Glu215Asp)

Gene: TERF2IP (TERF2 interacting protein; plus strand). Cytogenetic location: 16q23.1.
Variant type: single nucleotide variant.
Coding change: c.645G>C on transcript NM_018975.4 (MANE Select); coding-DNA position 645, G replaced by C.
Protein change: p.Glu215Asp; replaces glutamic acid 215 with aspartic acid.
Molecular consequence: missense variant. On other transcripts: non-coding transcript variant (1).
Genome position (GRCh38, 1-based): chr16:75,648,527, G>C. VCF-style: chr16-75648527-G-C. GRCh37 (hg19) VCF-style: chr16-75682425-G-C.
Other names: short protein forms E215D.
Identifiers: ClinVar variation 2560491 (VCV002560491.2), dbSNP rs765305797, ClinGen allele CA396818355.